The following is an entry in ClinVar:

ClinVar aggregate classification (germline): Conflicting classifications of pathogenicity. Review status: criteria provided, conflicting classifications (1 of 4 stars). 2 submissions from 2 submitters: Uncertain significance (1); Likely benign (1). Last evaluated 2026-01-26.

Allele frequency attached by ClinVar (database versions not stated): ExAC 0.00002; gnomAD exomes 0.00002; TOPMed 0.00006; gnomAD 0.00008 and 0.00009.
gnomAD v4.1: 24 of 1,608,296 alleles (0.0015%); highest among the groups gnomAD compares: African/African-American, 0.027%; no homozygotes.

Submissions (2):

Labcorp Genetics (formerly Invitae), Labcorp
Classification: Likely benign. Last evaluated: 2026-01-26. Review status: criteria provided, single submitter. Criteria: Invitae Variant Classification Sherloc (09022015). Collection method: clinical testing. Allele origin: germline.

GeneDx
Classification: Uncertain significance. Last evaluated: 2025-03-11. Review status: criteria provided, single submitter. Criteria: GeneDx Variant Classification Process June 2021. Collection method: clinical testing. Allele origin: germline. Affected: yes.
Comment: In silico analysis indicates that this variant does not alter splicing; Has not been previously published as pathogenic or benign to our knowledge

NM_002335.4(LRP5):c.2092-11C>T

Gene: LRP5 (LDL receptor related protein 5; plus strand). Cytogenetic location: 11q13.2.
Variant type: single nucleotide variant.
Coding change: c.2092-11C>T on transcript NM_002335.4 (MANE Select); 11 bases into the intron before coding-DNA position 2092, C replaced by T.
Molecular consequence: intron variant.
Genome position (GRCh38, 1-based): chr11:68,409,903, C>T. VCF-style: chr11-68409903-C-T. GRCh37 (hg19) VCF-style: chr11-68177371-C-T.
Other names: c.349-11C>T (NM_001291902.2).
Identifiers: ClinVar variation 1104880 (VCV001104880.10), dbSNP rs769128606, ClinGen allele CA6149538.